The following is an entry in ClinVar:

NM_005618.4(DLL1):c.526C>G (p.Arg176Gly)

Gene: DLL1 (delta like canonical Notch ligand 1; minus strand). Cytogenetic location: 6q27.
Variant type: single nucleotide variant.
Coding change: c.526C>G on transcript NM_005618.4 (MANE Select); coding-DNA position 526, C replaced by G.
Protein change: p.Arg176Gly; replaces arginine 176 with glycine.
Molecular consequence: missense variant.
Genome position (GRCh38, 1-based): chr6:170,288,383, G>C on the plus strand (C>G on the coding strand, the complement: DLL1 is on the minus strand). VCF-style: chr6-170288383-G-C. GRCh37 (hg19) VCF-style: chr6-170597471-G-C.
Other names: short protein forms R176G.
Identifiers: ClinVar variation 4291102 (VCV004291102.1).

ClinVar aggregate classification (germline): Uncertain significance (1 of 4 stars; one submission).

Conditions:
Neurodevelopmental disorder with nonspecific brain abnormalities and with or without seizures. Identifiers: MedGen C5231470, MONDO:0032877, OMIM 618709.

Submission:

Institute of Human Genetics, University of Leipzig Medical Center
Classification: Uncertain significance for Neurodevelopmental disorder with nonspecific brain abnormalities and with or without seizures. Last evaluated: 2025-09-08. Review status: criteria provided, single submitter. Criteria: ACMG Guidelines, 2015. Collection method: clinical testing. Allele origin: unknown. Inheritance: Autosomal dominant inheritance. Affected: yes.
Comment: Criteria applied: PM2,PM1_SUP,PP2,PP3